The following is an entry in ClinVar:

ClinVar aggregate classification (germline): Likely benign (1 of 4 stars; one submission).

Allele frequency attached by ClinVar (database versions not stated): gnomAD 0.00001; gnomAD exomes 0.00001; TOPMed 0.00001.
gnomAD v4.1: 7 of 1,055,189 alleles (0.00066%); highest among the groups gnomAD compares: Admixed American, 0.01%; no homozygotes.

Submission:

GeneDx
Classification: Likely benign. Last evaluated: 2018-04-09. Review status: criteria provided, single submitter. Criteria: GeneDx Variant Classification (06012015). Collection method: clinical testing. Allele origin: germline. Affected: yes.
Comment: This variant is considered likely benign or benign based on one or more of the following criteria: it is a conservative change, it occurs at a poorly conserved position in the protein, it is predicted to be benign by multiple in silico algorithms, and/or has population frequency not consistent with disease.

NM_001111125.3(IQSEC2):c.4458C>T (p.Thr1486=)

Gene: IQSEC2 (IQ motif and Sec7 domain ArfGEF 2; minus strand). Cytogenetic location: Xp11.22.
Variant type: single nucleotide variant.
Coding change: c.4458C>T on transcript NM_001111125.3 (MANE Select); coding-DNA position 4458, C replaced by T.
Protein change: p.Thr1486=; no amino-acid change (threonine 1486 retained).
Molecular consequence: synonymous variant. On other transcripts: 3 prime UTR variant (1).
Genome position (GRCh38, 1-based): chrX:53,234,228, G>A on the plus strand (C>T on the coding strand, the complement: IQSEC2 is on the minus strand). VCF-style: chrX-53234228-G-A. GRCh37 (hg19) VCF-style: chrX-53263410-G-A.
Other names: c.*943C>T (NM_015075.2).
Identifiers: ClinVar variation 681628 (VCV000681628.1), dbSNP rs1452805840, ClinGen allele CA516672960.